The following is an entry in ClinVar:

ClinVar aggregate classification (germline): Uncertain significance (1 of 4 stars; one submission).

Submission:

Labcorp Genetics (formerly Invitae), Labcorp
Classification: Uncertain significance. Last evaluated: 2025-03-17. Review status: criteria provided, single submitter. Criteria: Invitae Variant Classification Sherloc (09022015). Collection method: clinical testing. Allele origin: germline.
Comment: This sequence change creates a premature translational stop signal (p.Ile140Serfs*2) in the KCNJ13 gene. While this is not anticipated to result in nonsense mediated decay, it is expected to disrupt the last 221 amino acid(s) of the KCNJ13 protein. This variant is not present in population databases (gnomAD no frequency). This variant has not been reported in the literature in individuals affected with KCNJ13-related conditions. ClinVar contains an entry for this variant (Variation ID: 943478). In summary, the available evidence is currently insufficient to determine the role of this variant in disease. Therefore, it has been classified as a Variant of Uncertain Significance.

NM_002242.4(KCNJ13):c.418_427del (p.Ile140fs)

Genes: KCNJ13 (potassium inwardly rectifying channel subfamily J member 13; minus strand), GIGYF2 (GRB10 interacting GYF protein 2; plus strand). Cytogenetic location: 2q37.1.
Variant type: Deletion.
Coding change: c.418_427del on transcript NM_002242.4 (MANE Select); coding-DNA positions 418 to 427, 10 bases deleted (ATACAAATGC; older notation c.418_427delATACAAATGC).
Protein change: p.Ile140fs; shifts the reading frame from isoleucine 140.
Molecular consequence: frameshift variant. On other transcripts: intron variant (5).
Genome position (GRCh38, 1-based): chr2:232,770,936-232,770,945, GCATTTGTAT deleted on the plus strand (ATACAAATGC on the coding strand, the reverse complement: KCNJ13 is on the minus strand); deleting any 10 consecutive bases within chr2:232,770,936-232,770,946 gives the same sequence; the c. name uses the placement nearest the transcript's 3' end. VCF-style (leftmost placement, unchanged base first): chr2-232770935-AGCATTTGTAT-A. GRCh37 (hg19) VCF-style: chr2-233635645-AGCATTTGTAT-A.
Other names: c.178_187del, p.Ile60fs (NM_001172417.1); c.532+9501_532+9510del (NM_001103146.3, NM_015575.4, NM_001103148.2); c.533-5475_533-5466del (NM_001103147.2); c.224+194_224+203del (NM_001172416.1); short protein forms I140fs, I60fs.
Identifiers: ClinVar variation 943478 (VCV000943478.7), dbSNP rs1699220334, ClinGen allele CA1139657774.